The following is an entry in ClinVar:

ClinVar aggregate classification (germline): Conflicting classifications of pathogenicity. Review status: criteria provided, conflicting classifications (1 of 4 stars). 11 submissions from 11 submitters: Uncertain significance (9); Likely benign (2). Last evaluated 2026-07-02.

Conditions:
BRCA2-related disorder. Also called: BRCA2-related condition; BRCA2-related disorders. Identifiers: MedGen CN239275.
Hereditary cancer-predisposing syndrome. Also called: Neoplastic Syndromes, Hereditary; Tumor predisposition; Hereditary neoplastic syndrome; Hereditary Cancer Syndrome. Identifiers: Orphanet 140162, MedGen C0027672, MeSH D009386, MONDO:0015356.
Hereditary breast ovarian cancer syndrome. Also called: Hereditary breast and/or ovarian cancer syndrome; Hereditary breast and ovarian cancer syndrome; Hereditary breast and ovarian cancer; Hereditary breast and ovarian cancer syndrome (HBOC); Breast and ovarian cancer; BRCA1- and BRCA2-Associated Hereditary Breast and Ovarian Cancer. Identifiers: Orphanet 145, MedGen C0677776, MeSH D061325, MONDO:0003582. Disease mechanism: loss of function.
Breast-ovarian cancer, familial, susceptibility to, 2 (BROVCA2). Also called: BRCA2 Hereditary Breast and Ovarian Cancer. Identifiers: Orphanet 145, MedGen C2675520, MONDO:0012933, OMIM 612555. Disease mechanism: loss of function.

Allele frequency attached by ClinVar (database versions not stated): TOPMed 0.00002.
gnomAD v4.1: 2 of 1,613,872 alleles (0.00012%); highest among the groups gnomAD compares: African/African-American, 0.0027%; no homozygotes.

Submissions (11):

PreventionGenetics, part of Exact Sciences
Classification: Uncertain significance for BRCA2-related condition. Last evaluated: 2026-07-02. Review status: criteria provided, single submitter. Criteria: ACMG Guidelines, 2015. Collection method: clinical testing. Allele origin: germline.
Comment: The BRCA2 c.2224C>A variant is predicted to result in the amino acid substitution p.Gln742Lys. To our knowledge, this variant has not been reported in the literature. This variant is reported in 0.011% of alleles in individuals of African descent in gnomAD and has conflicting interpretations in ClinVar ranging from likely benign to uncertain (Variation ID: 185181). Although we suspect that this variant may be benign, at this time, the clinical significance of this variant is uncertain due to the absence of conclusive functional and genetic evidence.

Labcorp Genetics (formerly Invitae), Labcorp
Classification: Uncertain significance for Hereditary breast ovarian cancer syndrome. Last evaluated: 2026-01-05. Review status: criteria provided, single submitter. Criteria: Invitae Variant Classification Sherloc (09022015). Collection method: clinical testing. Allele origin: germline.
Comment: This sequence change replaces glutamine, which is neutral and polar, with lysine, which is basic and polar, at codon 742 of the BRCA2 protein (p.Gln742Lys). The frequency data for this variant in the population databases is considered unreliable, as metrics indicate poor data quality at this position in the gnomAD database. This variant has not been reported in the literature in individuals affected with BRCA2-related conditions. ClinVar contains an entry for this variant (Variation ID: 185181). Invitae Evidence Modeling of protein sequence and biophysical properties (such as structural, functional, and spatial information, amino acid conservation, physicochemical variation, residue mobility, and thermodynamic stability) indicates that this missense variant is not expected to disrupt BRCA2 protein function with a negative predictive value of 95%. In summary, the available evidence is currently insufficient to determine the role of this variant in disease. Therefore, it has been classified as a Variant of Uncertain Significance.

Ambry Genetics
Classification: Uncertain significance for Hereditary cancer-predisposing syndrome. Last evaluated: 2025-06-06. Review status: criteria provided, single submitter. Criteria: Ambry Variant Classification Scheme 2023. Collection method: clinical testing. Allele origin: germline.
Comment: The p.Q742K variant (also known as c.2224C>A), located in coding exon 10 of the BRCA2 gene, results from a C to A substitution at nucleotide position 2224. The glutamine at codon 742 is replaced by lysine, an amino acid with similar properties. This amino acid position is not well conserved in available vertebrate species. In addition, this alteration is predicted to be tolerated by in silico analysis. Since supporting evidence is limited at this time, the clinical significance of this alteration remains unclear.

Molecular Diagnostics Laboratory, Catalan Institute of Oncology
Classification: Likely benign for Hereditary cancer-predisposing syndrome. Last evaluated: 2025-04-10. Review status: criteria provided, single submitter. Criteria: ClinGen BRCA1BRCA2 ACMG Specifications BRCA2 V1.0.0. Collection method: clinical testing. Allele origin: germline.
Comment: BP1_strong c.2224C>A, located in exon 11 of the BRCA2 gene, is predicted to result in the substitution of Glutamine by Lysine at codon 742, p.(Gln742Lys). This position is outside a (potentially) clinically important functional domain and, moreover, the SpliceAI algorithm predicts no significant impact on splicing (BP1_strong). This variant is found in 1/268138 alleles at a frequency of 0.0003% in the gnomAD v2.1.1 database, non-cancer dataset. To our knowledge, neither multifactorial analysis nor well-stablished functional studies have been reported for this variant. In addition, the variant has been identified in the ClinVar* database (1x likely benign, 6x uncertain significance), and BRCA Exchange database (not yet reviewed), but it is not present in the LOVD database. Based on the currently available information, c.2224C>A is classified as a likely benign variant according to ClinGen-BRCA2 Guidelines version 1.0.0.

Color Diagnostics, LLC DBA Color Health
Classification: Uncertain significance for Hereditary cancer-predisposing syndrome. Last evaluated: 2024-06-20. Review status: criteria provided, single submitter. Criteria: ACMG Guidelines, 2015. Collection method: clinical testing. Allele origin: germline.
Comment: This missense variant replaces glutamine with lysine at codon 742 of the BRCA2 protein. Computational prediction suggests that this variant may not impact protein structure and function (internally defined REVEL score threshold <= 0.5, PMID: 27666373). To our knowledge, functional studies have not been reported for this variant. This variant has not been reported in individuals affected with BRCA2-related disorders in the literature. This variant has not been identified in the general population by the Genome Aggregation Database (gnomAD). The available evidence is insufficient to determine the role of this variant in disease conclusively. Therefore, this variant is classified as a Variant of Uncertain Significance.

ARUP Laboratories, Molecular Genetics and Genomics, ARUP Laboratories
Classification: Uncertain significance. Last evaluated: 2023-09-19. Review status: criteria provided, single submitter. Criteria: ARUP Molecular Germline Variant Investigation Process 2024. Collection method: clinical testing. Allele origin: germline.
Comment: The BRCA2 c.2224C>A; p.Gln742Lys variant (rs80358494), to our knowledge, is not reported in the medical literature but is reported in ClinVar (Variation ID: 185181). This variant is only observed on one allele in the Genome Aggregation Database, indicating it is not a common polymorphism. Computational analyses are uncertain whether this variant is neutral or deleterious (REVEL: 0.331). Due to limited information, the clinical significance of this variant is uncertain at this time.

All of Us Research Program, National Institutes of Health
Classification: Uncertain significance for Breast-ovarian cancer, familial, susceptibility to, 2. Last evaluated: 2023-05-31. Review status: criteria provided, single submitter. Criteria: ACMG Guidelines, 2015. Collection method: clinical testing. Allele origin: germline. Inheritance: Autosomal dominant inheritance. Observed: 1 variant allele, 1 heterozygote.
Comment: This study involves interpretation of variants in research participants for the purpose of population health screening. Participant phenotype was not available at the time of variant classification. Additional details can be found in publication PMID: 35346344, PMCID: PMC8962531

University of Washington Department of Laboratory Medicine, University of Washington
Classification: Likely benign for Hereditary cancer-predisposing syndrome. Last evaluated: 2023-03-23. Review status: criteria provided, single submitter. Criteria: Dines et al. (Genet Med. 2020). Collection method: curation. Allele origin: germline.
Comment: Missense variant in a coldspot region where missense variants are very unlikely to be pathogenic (PMID:31911673).

BRCA2 exon 11 coldspot. Reclassification based on statistical prior probability.

GeneDx
Classification: Uncertain significance. Last evaluated: 2021-11-29. Review status: criteria provided, single submitter. Criteria: GeneDx Variant Classification Process June 2021. Collection method: clinical testing. Allele origin: germline. Affected: yes.
Comment: Observed with a truncating BRCA2 variant in a patient with Fanconi anemia (Castella 2011); In silico analysis supports that this missense variant does not alter protein structure/function; Not observed at significant frequency in large population cohorts (Lek 2016); Also known as 2452C>A; This variant is associated with the following publications: (PMID: 21273304)

Quest Diagnostics Nichols Institute San Juan Capistrano
Classification: Uncertain significance. Last evaluated: 2018-11-09. Review status: criteria provided, single submitter. Criteria: Quest Diagnostics criteria. Collection method: clinical testing. Allele origin: germline.

Women's Health and Genetics/Laboratory Corporation of America, LabCorp
Classification: Uncertain significance. Last evaluated: 2017-04-30. Review status: criteria provided, single submitter. Criteria: LabCorp Variant Classification Summary - May 2015. Collection method: clinical testing. Allele origin: germline.
Comment: Variant summary: The BRCA2 c.2224C>A (p.Gln742Lys) variant involves the alteration of a non-conserved nucleotide and 4/5 in silico tools predict a benign outcome for this variant. However, these predictions have yet to be confirmed by functional studies. This variant is absent in the large control database ExAC (0/121156 control chromosomes). In addition, a clinical diagnostic laboratory has classified this variant as uncertain significance. To our knowledge, the variant of interest has not been reported in affected individuals via publications, nor has it been evaluated for functional impact by in vivo/vitro studies. Because of the absence of clinical information and the lack of functional studies, the variant is classified as a "Variant of Uncertain Significance (VUS)," until additional information becomes available.

NM_000059.4(BRCA2):c.2224C>A (p.Gln742Lys)

Gene: BRCA2 (BRCA2 DNA repair associated; plus strand). Cytogenetic location: 13q13.1.
Variant type: single nucleotide variant.
Coding change: c.2224C>A on transcript NM_000059.4 (MANE Select); coding-DNA position 2224, C replaced by A.
Protein change: p.Gln742Lys; replaces glutamine 742 with lysine.
Molecular consequence: missense variant.
Genome position (GRCh38, 1-based): chr13:32,336,579, C>A. VCF-style: chr13-32336579-C-A. GRCh37 (hg19) VCF-style: chr13-32910716-C-A.
Other names: short protein forms Q742K.
Identifiers: ClinVar variation 185181 (VCV000185181.24), dbSNP rs80358494, ClinGen allele CA014659.